The following is an entry in ClinVar:

ClinVar aggregate classification (germline): Uncertain significance. Review status: criteria provided, multiple submitters, no conflicts (2 of 4 stars). 3 submissions from 3 submitters: Uncertain significance (3). Last evaluated 2025-03-26.

Conditions:
GATA4-related disorder. Also called: GATA4-related condition. Identifiers: MedGen CN860321.
Atrioventricular septal defect 4 (AVSD4). Identifiers: MedGen C3280781, MONDO:0013747, OMIM 614430.

Allele frequency attached by ClinVar (database versions not stated): gnomAD exomes below 0.00001 and 0.00001.
gnomAD v4.1: 3 of 1,479,394 alleles (0.0002%); highest among the groups gnomAD compares: South Asian, 0.0038%; no homozygotes.

Submissions (3):

PreventionGenetics, part of Exact Sciences
Classification: Uncertain significance for GATA4-related condition. Last evaluated: 2025-03-26. Review status: criteria provided, single submitter. Criteria: ACMG Guidelines, 2015. Collection method: clinical testing. Allele origin: germline.
Comment: The GATA4 c.491C>T variant is predicted to result in the amino acid substitution p.Ala164Val. To our knowledge, this variant has not been reported in the literature. This variant is reported in 0.0059% of alleles in individuals of South Asian descent in gnomAD. At this time, the clinical significance of this variant is uncertain due to the absence of conclusive functional and genetic evidence.

Labcorp Genetics (formerly Invitae), Labcorp
Classification: Uncertain significance for Atrioventricular septal defect 4. Last evaluated: 2024-02-17. Review status: criteria provided, single submitter. Criteria: Invitae Variant Classification Sherloc (09022015). Collection method: clinical testing. Allele origin: germline.
Comment: This sequence change replaces alanine, which is neutral and non-polar, with valine, which is neutral and non-polar, at codon 164 of the GATA4 protein (p.Ala164Val). The frequency data for this variant in the population databases is considered unreliable, as metrics indicate poor data quality at this position in the gnomAD database. This variant has not been reported in the literature in individuals affected with GATA4-related conditions. ClinVar contains an entry for this variant (Variation ID: 435285). Advanced modeling of protein sequence and biophysical properties (such as structural, functional, and spatial information, amino acid conservation, physicochemical variation, residue mobility, and thermodynamic stability) performed at Invitae indicates that this missense variant is not expected to disrupt GATA4 protein function with a negative predictive value of 80%. In summary, the available evidence is currently insufficient to determine the role of this variant in disease. Therefore, it has been classified as a Variant of Uncertain Significance.

Genetic Services Laboratory, University of Chicago
Classification: Uncertain significance. Last evaluated: 2017-06-09. Review status: criteria provided, single submitter. Criteria: ACMG Guidelines, 2015. Collection method: clinical testing. Allele origin: germline. Affected: no.

NM_001308093.3(GATA4):c.491C>T (p.Ala164Val)

Gene: GATA4 (GATA binding protein 4). Cytogenetic location: 8p23.1.
Variant type: single nucleotide variant.
Coding change: c.491C>T on transcript NM_001308093.3 (MANE Select); coding-DNA position 491, C replaced by T.
Protein change: p.Ala164Val; replaces alanine 164 with valine.
Molecular consequence: missense variant. On other transcripts: intron variant (3).
Genome position (GRCh38, 1-based): chr8:11,708,803, C>T. VCF-style: chr8-11708803-C-T. GRCh37 (hg19) VCF-style: chr8-11566312-C-T.
Other names: c.491C>T, p.Ala164Val (NM_002052.5); c.-6+8025C>T (NM_001308094.2); c.-3+789C>T (NM_001374274.1); c.-3+4499C>T (NM_001374273.1); c.491C>T (NM_002052.4); short protein forms A164V.
Identifiers: ClinVar variation 435285 (VCV000435285.12), dbSNP rs1425061772, ClinGen allele CA370309734.